The following is an entry in ClinVar:

ClinVar aggregate classification (germline): Uncertain significance (1 of 4 stars; one submission).

Allele frequency attached by ClinVar (database versions not stated): gnomAD exomes below 0.00001; ExAC 0.00003.
gnomAD v4.1: 6 of 1,613,980 alleles (0.00037%); highest among the groups gnomAD compares: Non-Finnish European, 0.00042%; no homozygotes.

Submission:

Labcorp Genetics (formerly Invitae), Labcorp
Classification: Uncertain significance. Last evaluated: 2024-05-23. Review status: criteria provided, single submitter. Criteria: Invitae Variant Classification Sherloc (09022015). Collection method: clinical testing. Allele origin: germline.
Comment: This sequence change replaces lysine, which is basic and polar, with arginine, which is basic and polar, at codon 415 of the P4HB protein (p.Lys415Arg). This variant is present in population databases (rs752843431, gnomAD 0.003%). This variant has not been reported in the literature in individuals affected with P4HB-related conditions. Advanced modeling of protein sequence and biophysical properties (such as structural, functional, and spatial information, amino acid conservation, physicochemical variation, residue mobility, and thermodynamic stability) performed at Invitae indicates that this missense variant is not expected to disrupt P4HB protein function with a negative predictive value of 80%. In summary, the available evidence is currently insufficient to determine the role of this variant in disease. Therefore, it has been classified as a Variant of Uncertain Significance.

NM_000918.4(P4HB):c.1244A>G (p.Lys415Arg)

Gene: P4HB (prolyl 4-hydroxylase subunit beta; minus strand). Cytogenetic location: 17q25.3.
Variant type: single nucleotide variant.
Coding change: c.1244A>G on transcript NM_000918.4 (MANE Select); coding-DNA position 1244, A replaced by G.
Protein change: p.Lys415Arg; replaces lysine 415 with arginine.
Molecular consequence: missense variant.
Genome position (GRCh38, 1-based): chr17:81,845,676, T>C on the plus strand (A>G on the coding strand, the complement: P4HB is on the minus strand). VCF-style: chr17-81845676-T-C. GRCh37 (hg19) VCF-style: chr17-79803552-T-C.
Other names: short protein forms K415R.
Identifiers: ClinVar variation 2992373 (VCV002992373.3), dbSNP rs752843431, ClinGen allele CA8842672.
Genomic context (GRCh38, chr17:81,845,676, plus strand): 5'-ACGGCCTCCACCTCGTTGGCAGTCGAGTCCATCTTGGCGATGACGATGTTCTCATGGTCC[T>C]TGTACGTCTCTCCCAGTTTATCCCAAATGGGAGCCAACTGTTTGCAGTGACCACACCATG-3'
Protein context (NP_000909.2, residues 405-425): PIWDKLGETY[Lys415Arg]DHENIVIAKM